The following is an entry in ClinVar:

ClinVar aggregate classification (germline): Uncertain significance (1 of 4 stars; one submission).

Submission:

Labcorp Genetics (formerly Invitae), Labcorp
Classification: Uncertain significance. Last evaluated: 2024-10-12. Review status: criteria provided, single submitter. Criteria: Invitae Variant Classification Sherloc (09022015). Collection method: clinical testing. Allele origin: germline.
Comment: This sequence change replaces proline, which is neutral and non-polar, with serine, which is neutral and polar, at codon 616 of the SYNPO protein (p.Pro616Ser). Information on the frequency of this variant in the gnomAD database is not available, as this variant may be reported differently in the database. This variant has not been reported in the literature in individuals affected with SYNPO-related conditions. Experimental studies and prediction algorithms are not available or were not evaluated, and the functional significance of this variant is currently unknown. In summary, the available evidence is currently insufficient to determine the role of this variant in disease. Therefore, it has been classified as a Variant of Uncertain Significance.

NM_007286.6(SYNPO):c.1845_1846delinsTT (p.Pro616Ser)

Gene: SYNPO (synaptopodin; plus strand). Cytogenetic location: 5q33.1.
Variant type: Indel.
Coding change: c.1845_1846delinsTT on transcript NM_007286.6 (MANE Select); coding-DNA positions 1845 to 1846, GC replaced by TT.
Protein change: p.Pro616Ser; replaces proline 616 with serine.
Molecular consequence: missense variant.
Genome position (GRCh38, 1-based): chr5:150,650,120-150,650,121, GC replaced by TT. VCF-style: chr5-150650120-GC-TT. GRCh37 (hg19) VCF-style: chr5-150029682-GC-TT.
Other names: c.1845_1846delinsTT, p.Pro616Ser (NM_001109974.3); c.2577_2578delinsTT, p.Pro860Ser (NM_001166208.2, NM_001166209.2); short protein forms P616S, P860S.
Identifiers: ClinVar variation 3682277 (VCV003682277.2).